The following is an entry in ClinVar:

ClinVar aggregate classification (germline): Benign. Review status: criteria provided, multiple submitters, no conflicts (2 of 4 stars). 2 submissions from 2 submitters: Benign (2). Last evaluated 2018-01-12.

Conditions:
Neuronal ceroid lipofuscinosis 2. Also called: TPP1-Related Neuronal Ceroid-Lipofuscinosis; JANSKY-BIELSCHOWSKY DISEASE NEURONAL CEROID LIPOFUSCINOSIS, LATE INFANTILE. Identifiers: Orphanet 168491, Orphanet 228349, Orphanet 79264, MedGen C1876161, MONDO:0008769, OMIM 204500.

Allele frequency attached by ClinVar (database versions not stated): gnomAD 0.27054; TOPMed 0.30063; 1000 Genomes Project 30x 0.33401; 1000 Genomes Project 0.33506; gnomAD exomes 0.37500.

Submissions (2):

Illumina Laboratory Services, Illumina
Classification: Benign for Neuronal ceroid lipofuscinosis 2. Last evaluated: 2018-01-12. Review status: criteria provided, single submitter. Criteria: ICSL Variant Classification Criteria 13 December 2019. Collection method: clinical testing. Allele origin: germline.
Comment: This variant was observed in the ICSL laboratory as part of a predisposition screen in an ostensibly healthy population. It had not been previously curated by ICSL or reported in the Human Gene Mutation Database (HGMD: prior to June 1st, 2018), and was therefore a candidate for classification through an automated scoring system. Utilizing variant allele frequency, disease prevalence and penetrance estimates, and inheritance mode, an automated score was calculated to assess if this variant is too frequent to cause the disease. Based on the score and internal cut-off values, a variant classified as benign is not then subjected to further curation. The score for this variant resulted in a classification of benign for this disease.

Breakthrough Genomics
Classification: Benign. Review status: criteria provided, single submitter. Criteria: ACMG Guidelines, 2015. Collection method: not provided. Allele origin: germline. Inheritance: Autosomal recessive inheritance. Affected: yes.

NM_000391.4(TPP1):c.*1118G>C

Gene: TPP1 (tripeptidyl peptidase 1; minus strand). Cytogenetic location: 11p15.4.
Variant type: single nucleotide variant.
Coding change: c.*1118G>C on transcript NM_000391.4 (MANE Select); 1118 bases downstream of the stop codon, G replaced by C.
Molecular consequence: 3 prime UTR variant.
Genome position (GRCh38, 1-based): chr11:6,613,428, C>G on the plus strand (G>C on the coding strand, the complement: TPP1 is on the minus strand). VCF-style: chr11-6613428-C-G. GRCh37 (hg19) VCF-style: chr11-6634659-C-G.
Identifiers: ClinVar variation 305497 (VCV000305497.6), dbSNP rs1045450, ClinGen allele CA10631272.